The following is an entry in ClinVar:

NM_002734.5(PRKAR1A):c.31G>A (p.Glu11Lys)

Gene: PRKAR1A (protein kinase cAMP-dependent type I regulatory subunit alpha; plus strand). Cytogenetic location: 17q24.2.
Variant type: single nucleotide variant.
Coding change: c.31G>A on transcript NM_002734.5 (MANE Select); coding-DNA position 31, G replaced by A.
Protein change: p.Glu11Lys; replaces glutamic acid 11 with lysine.
Molecular consequence: missense variant.
Genome position (GRCh38, 1-based): chr17:68,515,430, G>A. VCF-style: chr17-68515430-G-A. GRCh37 (hg19) VCF-style: chr17-66511571-G-A.
Other names: c.31G>A (NM_002734.3); c.31G>A, p.Glu11Lys (NM_001276289.2, NM_001276290.1, NM_001278433.2 and 4 more transcripts); short protein forms E11K.
Identifiers: ClinVar variation 3720815 (VCV003720815.3).

ClinVar aggregate classification (germline): Uncertain significance. Review status: criteria provided, multiple submitters, no conflicts (2 of 4 stars). 2 submissions from 2 submitters: Uncertain significance (2). Last evaluated 2026-07-06.

Conditions:
Hereditary cancer-predisposing syndrome. Also called: Tumor predisposition; Hereditary neoplastic syndrome; Hereditary Cancer Syndrome; Neoplastic Syndromes, Hereditary. Identifiers: Orphanet 140162, MedGen C0027672, MeSH D009386, MONDO:0015356.
Carney complex, type 1 (CNC1). Also called: CARNEY COMPLEX, TYPE I; CARNEY MYXOMA-ENDOCRINE COMPLEX. Identifiers: Orphanet 1359, MedGen C2607929, MONDO:0008057, OMIM 160980.

Submissions (2):

Ambry Genetics
Classification: Uncertain significance for Hereditary cancer-predisposing syndrome. Last evaluated: 2026-07-06. Review status: criteria provided, single submitter. Criteria: Ambry Variant Classification Scheme 2023. Collection method: clinical testing. Allele origin: germline.
Comment: The p.E11K variant (also known as c.31G>A), located in coding exon 1 of the PRKAR1A gene, results from a G to A substitution at nucleotide position 31. The glutamic acid at codon 11 is replaced by lysine, an amino acid with similar properties. This amino acid position is conserved. In addition, this alteration is predicted to be deleterious by in silico analysis. Based on the available evidence, the clinical significance of this variant remains unclear.

Labcorp Genetics (formerly Invitae), Labcorp
Classification: Uncertain significance for Carney complex, type 1. Last evaluated: 2024-11-19. Review status: criteria provided, single submitter. Criteria: Invitae Variant Classification Sherloc (09022015). Collection method: clinical testing. Allele origin: germline.
Comment: This sequence change replaces glutamic acid, which is acidic and polar, with lysine, which is basic and polar, at codon 11 of the PRKAR1A protein (p.Glu11Lys). This variant is not present in population databases (gnomAD no frequency). This variant has not been reported in the literature in individuals affected with PRKAR1A-related conditions. Invitae Evidence Modeling of protein sequence and biophysical properties (such as structural, functional, and spatial information, amino acid conservation, physicochemical variation, residue mobility, and thermodynamic stability) indicates that this missense variant is not expected to disrupt PRKAR1A protein function with a negative predictive value of 95%. In summary, the available evidence is currently insufficient to determine the role of this variant in disease. Therefore, it has been classified as a Variant of Uncertain Significance.